The following is an entry in ClinVar:

ClinVar aggregate classification (germline): Uncertain significance. Review status: criteria provided, multiple submitters, no conflicts (2 of 4 stars). 4 submissions from 4 submitters: Uncertain significance (4). Last evaluated 2025-03-31.

Conditions:
Inborn genetic diseases. Identifiers: MedGen C0950123, MeSH D030342.
Intellectual developmental disorder, X-linked, syndromic, Billuart type. Also called: X-linked intellectual disability-cerebellar hypoplasia syndrome; MENTAL RETARDATION, X-LINKED 60. Identifiers: Orphanet 137831, MedGen C1845366, MONDO:0010337, OMIM 300486.

Allele frequency attached by ClinVar (database versions not stated): TOPMed 0.00002; ExAC 0.00003; gnomAD exomes 0.00003; gnomAD 0.00005 and 0.00006; ESP Exome Variant Server 0.00009.
gnomAD v4.1: 40 of 1,208,260 alleles (0.0033%); highest among the groups gnomAD compares: Non-Finnish European, 0.0045%; no homozygotes.

Submissions (4):

ARUP Laboratories, Molecular Genetics and Genomics, ARUP Laboratories
Classification: Uncertain significance for Intellectual developmental disorder, X-linked, syndromic, Billuart type. Last evaluated: 2025-03-31. Review status: criteria provided, single submitter. Criteria: ARUP Molecular Germline Variant Investigation Process 2024. Collection method: clinical testing. Allele origin: germline.

Ambry Genetics
Classification: Uncertain significance for Inborn genetic diseases. Last evaluated: 2022-07-08. Review status: criteria provided, single submitter. Criteria: Ambry Variant Classification Scheme 2023. Collection method: clinical testing. Allele origin: germline.

Fulgent Genetics
Classification: Uncertain significance for Intellectual developmental disorder, X-linked, syndromic, Billuart type. Last evaluated: 2021-08-18. Review status: criteria provided, single submitter. Criteria: ACMG Guidelines, 2015. Collection method: clinical testing. Allele origin: unknown.

Genetic Services Laboratory, University of Chicago
Classification: Uncertain significance. Last evaluated: 2015-02-03. Review status: criteria provided, single submitter. Criteria: ACMG Guidelines, 2015. Collection method: clinical testing. Allele origin: germline.

NM_002547.3(OPHN1):c.1613A>G (p.Asp538Gly)

Gene: OPHN1 (oligophrenin 1; minus strand). Cytogenetic location: Xq12.
Variant type: single nucleotide variant.
Coding change: c.1613A>G on transcript NM_002547.3 (MANE Select); coding-DNA position 1613, A replaced by G.
Protein change: p.Asp538Gly; replaces aspartic acid 538 with glycine.
Molecular consequence: missense variant.
Genome position (GRCh38, 1-based): chrX:68,096,943, T>C on the plus strand (A>G on the coding strand, the complement: OPHN1 is on the minus strand). VCF-style: chrX-68096943-T-C. GRCh37 (hg19) VCF-style: chrX-67316785-T-C.
Other names: short protein forms D538G.
Identifiers: ClinVar variation 211791 (VCV000211791.12), dbSNP rs141368794, ClinGen allele CA207735.